The following is an entry in ClinVar:

ClinVar aggregate classification (germline): Uncertain significance (1 of 4 stars; one submission).

gnomAD v4.1: 12 of 1,610,860 alleles (0.00074%); highest among the groups gnomAD compares: Non-Finnish European, 0.001%; no homozygotes.

Submission:

Mayo Clinic Laboratories, Mayo Clinic
Classification: Uncertain significance. Last evaluated: 2024-05-01. Review status: criteria provided, single submitter. Criteria: ACMG Guidelines, 2015. Collection method: clinical testing. Allele origin: germline. Observed: 1 variant allele.
Comment: BP4, PM2

NM_007255.3(B4GALT7):c.208G>A (p.Gly70Ser)

Gene: B4GALT7 (beta-1,4-galactosyltransferase 7; plus strand). Cytogenetic location: 5q35.3.
Variant type: single nucleotide variant.
Coding change: c.208G>A on transcript NM_007255.3 (MANE Select); coding-DNA position 208, G replaced by A.
Protein change: p.Gly70Ser; replaces glycine 70 with serine.
Molecular consequence: missense variant.
Genome position (GRCh38, 1-based): chr5:177,604,336, G>A. VCF-style: chr5-177604336-G-A. GRCh37 (hg19) VCF-style: chr5-177031337-G-A.
Other names: p.Gly70Ser; short protein forms G70S.
Identifiers: ClinVar variation 3379621 (VCV003379621.1).